The following is an entry in ClinVar:

NM_153700.2(STRC):c.2172T>C (p.Val724=)

Gene: STRC (stereocilin; minus strand). Cytogenetic location: 15q15.3.
Variant type: single nucleotide variant.
Coding change: c.2172T>C on transcript NM_153700.2 (MANE Select); coding-DNA position 2172, T replaced by C.
Protein change: p.Val724=; no amino-acid change (valine 724 retained).
Molecular consequence: synonymous variant.
Genome position (GRCh38, 1-based): chr15:43,614,438, A>G on the plus strand (T>C on the coding strand, the complement: STRC is on the minus strand). VCF-style: chr15-43614438-A-G. GRCh37 (hg19) VCF-style: chr15-43906636-A-G.
Identifiers: ClinVar variation 505236 (VCV000505236.5), dbSNP rs1308469405, ClinGen allele CA490326051.
Genomic context (GRCh38, chr15:43,614,438, plus strand): 5'-GTCACCCAGCCCACCCATGTGCCCTCCACCTGTTACCTGCACTAGAATCTGCAGGGCCCA[A>G]ACACTCTTTTCCCTCTGGAGCAGATCCCACAGCACAGGCTGGTGGGAAGAAAGACAATAT-3'
Protein context (NP_714544.1, residues 714-734): LWDLLQREKS[Val724=]WALQILVQAY

ClinVar aggregate classification (germline): Likely benign (1 of 4 stars; one submission).

Submission:

Laboratory for Molecular Medicine, Mass General Brigham Personalized Medicine
Classification: Likely benign. Last evaluated: 2016-08-02. Review status: criteria provided, single submitter. Criteria: LMM Criteria. Collection method: clinical testing. Allele origin: germline. Observed: 2 variant alleles.
Comment: p.Val724Val in exon 5 of STRC: This variant is not expected to have clinical sig nificance because it does not alter an amino acid residue and it is not located within the splice consensus sequence.